The following is an entry in ClinVar:

ClinVar aggregate classification (germline): Likely benign (1 of 4 stars; one submission).

gnomAD v4.1: 28 of 1,574,468 alleles (0.0018%); highest among the groups gnomAD compares: East Asian, 0.016%; no homozygotes.

Submission:

Mayo Clinic Laboratories, Mayo Clinic
Classification: Likely benign. Last evaluated: 2025-05-16. Review status: criteria provided, single submitter. Criteria: ACMG Guidelines, 2015. Collection method: clinical testing. Allele origin: germline. Observed: 1 variant allele.
Comment: BP4, BP7

NM_002204.4(ITGA3):c.3147C>T (p.Asp1049=)

Gene: ITGA3 (integrin subunit alpha 3; plus strand). Cytogenetic location: 17q21.33.
Variant type: single nucleotide variant.
Coding change: c.3147C>T on transcript NM_002204.4 (MANE Select); coding-DNA position 3147, C replaced by T.
Protein change: p.Asp1049=; no amino-acid change (aspartic acid 1049 retained).
Molecular consequence: synonymous variant.
Genome position (GRCh38, 1-based): chr17:50,088,326, C>T. VCF-style: chr17-50088326-C-T. GRCh37 (hg19) VCF-style: chr17-48165690-C-T.
Other names: p.Asp1049=.
Identifiers: ClinVar variation 4684231 (VCV004684231.1).